The following is an entry in ClinVar:

NM_000127.3(EXT1):c.613G>T (p.Glu205Ter)

Gene: EXT1 (exostosin glycosyltransferase 1; minus strand). Cytogenetic location: 8q24.11.
Variant type: single nucleotide variant.
Coding change: c.613G>T on transcript NM_000127.3 (MANE Select); coding-DNA position 613, G replaced by T.
Protein change: p.Glu205Ter; replaces glutamic acid 205 with a stop codon.
Molecular consequence: nonsense.
Genome position (GRCh38, 1-based): chr8:118,110,434, C>A on the plus strand (G>T on the coding strand, the complement: EXT1 is on the minus strand). VCF-style: chr8-118110434-C-A. GRCh37 (hg19) VCF-style: chr8-119122673-C-A.
Other names: short protein forms E205*.
Identifiers: ClinVar variation 1355295 (VCV001355295.6), dbSNP rs2130042683, ClinGen allele CA371915446.

ClinVar aggregate classification (germline): Pathogenic (1 of 4 stars; one submission).

Conditions:
Multiple congenital exostosis (EXT). Also called: Multiple exostoses; MULTIPLE CARTILAGINOUS EXOSTOSES; Hereditary multiple exostoses; Hereditary multiple exostosis; Hereditary multiple osteochondromas; Multiple osteochondromas. Identifiers: Orphanet 321, MedGen C0015306, MONDO:0005508, HP:0002762.

Submission:

Labcorp Genetics (formerly Invitae), Labcorp
Classification: Pathogenic for Multiple congenital exostosis. Last evaluated: 2021-01-28. Review status: criteria provided, single submitter. Criteria: Invitae Variant Classification Sherloc (09022015). Collection method: clinical testing. Allele origin: germline.
Comment: For these reasons, this variant has been classified as Pathogenic. This variant has not been reported in the literature in individuals with EXT1-related conditions. This variant is not present in population databases (ExAC no frequency). This sequence change creates a premature translational stop signal (p.Glu205*) in the EXT1 gene. It is expected to result in an absent or disrupted protein product. Loss-of-function variants in EXT1 are known to be pathogenic (PMID: 10679937, 11391482, 19810120).

Literature cited by the submitters: PubMed 10679937; PubMed 11391482; PubMed 19810120.